The following is an entry in ClinVar:

ClinVar aggregate classification (germline): Likely pathogenic (1 of 4 stars; one submission).

Conditions:
Congenital disorder of glycosylation, type 1DD. Identifiers: MedGen C5974887, MONDO:0975846, OMIM 301133.

gnomAD v4.1: 30 of 1,613,150 alleles (0.0019%); highest among the groups gnomAD compares: Middle Eastern, 0.016%; no homozygotes.

Submission:

Juno Genomics, Hangzhou Juno Genomics, Inc
Classification: Likely pathogenic for Congenital disorder of glycosylation, type 1DD. Review status: criteria provided, single submitter. Criteria: ACMG Guidelines, 2015. Collection method: clinical testing. Allele origin: germline.
Comment: Absent from controls (or at extremely low frequency if recessive) in Genome Aggregation Database.;Null variant in a gene where loss of function (LOF) is a known mechanism of disease.

NM_145177.3(DHRSX):c.121C>T (p.Arg41Ter)

Gene: DHRSX (dehydrogenase/reductase X-linked; minus strand). Cytogenetic location: Xp22.33.
Variant type: single nucleotide variant.
Coding change: c.121C>T on transcript NM_145177.3 (MANE Select); coding-DNA position 121, C replaced by T.
Protein change: p.Arg41Ter; replaces arginine 41 with a stop codon.
Molecular consequence: nonsense.
Genome position (GRCh38, 1-based): chrX:2,425,293, G>A on the plus strand (C>T on the coding strand, the complement: DHRSX is on the minus strand). VCF-style: chrX-2425293-G-A. GRCh37 (hg19) VCF-style: chrX-2343334-G-A.
Other names: short protein forms R41*.
Identifiers: ClinVar variation 5018953 (VCV005018953.2).